The following is an entry in ClinVar:

NM_001204375.2(NPR3):c.934G>A (p.Ala312Thr)

Gene: NPR3 (natriuretic peptide receptor 3; plus strand). Cytogenetic location: 5p13.3.
Variant type: single nucleotide variant.
Coding change: c.934G>A on transcript NM_001204375.2 (MANE Select); coding-DNA position 934, G replaced by A.
Protein change: p.Ala312Thr; replaces alanine 312 with threonine.
Molecular consequence: missense variant.
Genome position (GRCh38, 1-based): chr5:32,738,905, G>A. VCF-style: chr5-32738905-G-A. GRCh37 (hg19) VCF-style: chr5-32739011-G-A.
Other names: c.934G>A, p.Ala312Thr (NM_000908.4); c.286G>A, p.Ala96Thr (NM_001204376.2, NM_001363652.2); c.214G>A, p.Ala72Thr (NM_001364458.2); c.163G>A, p.Ala55Thr (NM_001364460.2); short protein forms A312T, A55T, A96T, A72T.
Identifiers: ClinVar variation 1940524 (VCV001940524.5), dbSNP rs750920406, ClinGen allele CA3222500.

ClinVar aggregate classification (germline): Uncertain significance (1 of 4 stars; one submission).

Allele frequency attached by ClinVar (database versions not stated): ExAC 0.00001; gnomAD 0.00001; gnomAD exomes 0.00002; TOPMed 0.00003.
gnomAD v4.1: 30 of 1,613,770 alleles (0.0019%); highest among the groups gnomAD compares: Non-Finnish European, 0.0024%; no homozygotes.

Submission:

Labcorp Genetics (formerly Invitae), Labcorp
Classification: Uncertain significance. Last evaluated: 2022-01-13. Review status: criteria provided, single submitter. Criteria: Invitae Variant Classification Sherloc (09022015). Collection method: clinical testing. Allele origin: germline.
Comment: This sequence change replaces alanine, which is neutral and non-polar, with threonine, which is neutral and polar, at codon 312 of the NPR3 protein (p.Ala312Thr). In summary, the available evidence is currently insufficient to determine the role of this variant in disease. Therefore, it has been classified as a Variant of Uncertain Significance. Algorithms developed to predict the effect of missense changes on protein structure and function (SIFT, PolyPhen-2, Align-GVGD) all suggest that this variant is likely to be disruptive. This variant has not been reported in the literature in individuals affected with NPR3-related conditions. This variant is present in population databases (rs750920406, gnomAD 0.003%).